The following is an entry in ClinVar:

NM_000038.6(APC):c.3935G>A (p.Gly1312Glu)

Gene: APC (APC regulator of Wnt signaling pathway; plus strand). Cytogenetic location: 5q22.2.
Variant type: single nucleotide variant.
Coding change: c.3935G>A on transcript NM_000038.6 (MANE Select); coding-DNA position 3935, G replaced by A.
Protein change: p.Gly1312Glu; replaces glycine 1312 with glutamic acid.
Molecular consequence: missense variant.
Genome position (GRCh38, 1-based): chr5:112,839,529, G>A. VCF-style: chr5-112839529-G-A. GRCh37 (hg19) VCF-style: chr5-112175226-G-A.
Other names: c.3935G>A, p.Gly1312Glu (NM_001127510.3, NM_001354895.2, NM_001407450.1); c.3881G>A, p.Gly1294Glu (NM_001127511.3); c.3989G>A, p.Gly1330Glu (NM_001354896.2, NM_001407447.1, NM_001407448.1 and 1 more transcripts); c.3965G>A, p.Gly1322Glu (NM_001354897.2); c.3860G>A, p.Gly1287Glu (NM_001354898.2); c.3851G>A, p.Gly1284Glu (NM_001354899.2); c.3812G>A, p.Gly1271Glu (NM_001354900.2); c.3758G>A, p.Gly1253Glu (NM_001354901.2, NM_001407453.1); and 11 more; short protein forms G1029E, G1152E, G1186E, G1211E, G1287E, G1221E, G1229E, G1284E.
Identifiers: ClinVar variation 2184393 (VCV002184393.4), dbSNP rs587779791, ClinGen allele CA16029969.

ClinVar aggregate classification (germline): Uncertain significance (1 of 4 stars; one submission).

Conditions:
Familial adenomatous polyposis 1 (FAP1). Also called: POLYPOSIS, ADENOMATOUS INTESTINAL; FAMILIAL ADENOMATOUS POLYPOSIS 1, ATTENUATED. Identifiers: MedGen C2713442, MONDO:0021056, OMIM 175100. Disease mechanism: loss of function.

Submission:

Labcorp Genetics (formerly Invitae), Labcorp
Classification: Uncertain significance for Familial adenomatous polyposis 1. Last evaluated: 2025-12-01. Review status: criteria provided, single submitter. Criteria: Invitae Variant Classification Sherloc (09022015). Collection method: clinical testing. Allele origin: germline.
Comment: This sequence change replaces glycine, which is neutral and non-polar, with glutamic acid, which is acidic and polar, at codon 1312 of the APC protein (p.Gly1312Glu). This variant is not present in population databases (gnomAD no frequency). This variant has not been reported in the literature in individuals affected with APC-related conditions. ClinVar contains an entry for this variant (Variation ID: 2184393). Invitae Evidence Modeling of protein sequence and biophysical properties (such as structural, functional, and spatial information, amino acid conservation, physicochemical variation, residue mobility, and thermodynamic stability) indicates that this missense variant is not expected to disrupt APC protein function with a negative predictive value of 95%. In summary, the available evidence is currently insufficient to determine the role of this variant in disease. Therefore, it has been classified as a Variant of Uncertain Significance.